The following is an entry in ClinVar:

NM_006736.6(DNAJB2):c.236G>A (p.Gly79Asp)

Gene: DNAJB2 (DnaJ heat shock protein family (Hsp40) member B2; plus strand). Cytogenetic location: 2q35.
Variant type: single nucleotide variant.
Coding change: c.236G>A on transcript NM_006736.6 (MANE Select); coding-DNA position 236, G replaced by A.
Protein change: p.Gly79Asp; replaces glycine 79 with aspartic acid.
Molecular consequence: missense variant.
Genome position (GRCh38, 1-based): chr2:219,281,945, G>A. VCF-style: chr2-219281945-G-A. GRCh37 (hg19) VCF-style: chr2-220146667-G-A.
Other names: c.236G>A, p.Gly79Asp (NM_001039550.2); short protein forms G79D.
Identifiers: ClinVar variation 2096703 (VCV002096703.4), dbSNP rs775372866, ClinGen allele CA65958305.

ClinVar aggregate classification (germline): Uncertain significance (1 of 4 stars; one submission).

Conditions:
Neuronopathy, distal hereditary motor, autosomal recessive 5. Also called: Spinal muscular atrophy, distal, autosomal recessive, 5; NEUROPATHY, DISTAL HEREDITARY MOTOR, AUTOSOMAL RECESSIVE 5; Young adult-onset distal hereditary motor neuropathy. Identifiers: Orphanet 314485, Orphanet 443950, MedGen C4749918, MONDO:0013947, OMIM 614881.

Submission:

Labcorp Genetics (formerly Invitae), Labcorp
Classification: Uncertain significance for Neuronopathy, distal hereditary motor, autosomal recessive 5. Last evaluated: 2022-07-21. Review status: criteria provided, single submitter. Criteria: Invitae Variant Classification Sherloc (09022015). Collection method: clinical testing. Allele origin: germline.
Comment: In summary, the available evidence is currently insufficient to determine the role of this variant in disease. Therefore, it has been classified as a Variant of Uncertain Significance. Algorithms developed to predict the effect of missense changes on protein structure and function (SIFT, PolyPhen-2, Align-GVGD) all suggest that this variant is likely to be tolerated. This variant has not been reported in the literature in individuals affected with DNAJB2-related conditions. This variant is not present in population databases (gnomAD no frequency). This sequence change replaces glycine, which is neutral and non-polar, with aspartic acid, which is acidic and polar, at codon 79 of the DNAJB2 protein (p.Gly79Asp).